The following is an entry in ClinVar:

NM_000548.5(TSC2):c.4570-13C>G

Gene: TSC2 (TSC complex subunit 2; plus strand). Cytogenetic location: 16p13.3.
Variant type: single nucleotide variant.
Coding change: c.4570-13C>G on transcript NM_000548.5 (MANE Select); 13 bases into the intron before coding-DNA position 4570, C replaced by G.
Molecular consequence: intron variant.
Genome position (GRCh38, 1-based): chr16:2,085,217, C>G. VCF-style: chr16-2085217-C-G. GRCh37 (hg19) VCF-style: chr16-2135218-C-G.
Other names: c.4501-13C>G (NM_001114382.3); c.4441-13C>G (NM_021055.3, NM_001370405.1); c.4372-13C>G (NM_001363528.2); c.4438-13C>G (NM_001370404.1); c.4369-13C>G (NM_001077183.3); c.4261-13C>G (NM_001318827.2); c.3838-13C>G (NM_001318831.2); c.4225-13C>G (NM_001318829.2); and 1 more.
Identifiers: ClinVar variation 1314119 (VCV001314119.11), dbSNP rs370549253, ClinGen allele CA051695.

ClinVar aggregate classification (germline): Conflicting classifications of pathogenicity. Review status: criteria provided, conflicting classifications (1 of 4 stars). 5 submissions from 5 submitters: Uncertain significance (3); Benign (2). Last evaluated 2025-11-17.

Conditions:
Hereditary cancer-predisposing syndrome. Also called: Neoplastic Syndromes, Hereditary; Hereditary Cancer Syndrome; Tumor predisposition; Hereditary neoplastic syndrome. Identifiers: Orphanet 140162, MedGen C0027672, MeSH D009386, MONDO:0015356.
Tuberous sclerosis 2 (TSC2). Identifiers: Orphanet 805, MedGen C1860707, MONDO:0013199, OMIM 613254.
Tuberous sclerosis syndrome (TSC). Also called: Tuberous sclerosis; Tuberous Sclerosis Complex. Identifiers: Orphanet 805, MedGen C0041341, MONDO:0001734.

gnomAD v4.1: 22 of 1,612,560 alleles (0.0014%); highest among the groups gnomAD compares: Admixed American, 0.0067%; no homozygotes.

Submissions (5):

Labcorp Genetics (formerly Invitae), Labcorp
Classification: Benign for Tuberous sclerosis 2. Last evaluated: 2025-11-17. Review status: criteria provided, single submitter. Criteria: Invitae Variant Classification Sherloc (09022015). Collection method: clinical testing. Allele origin: germline.

Color Diagnostics, LLC DBA Color Health
Classification: Benign for Tuberous sclerosis syndrome. Last evaluated: 2025-05-21. Review status: criteria provided, single submitter. Criteria: ACMG Guidelines, 2015. Collection method: clinical testing. Allele origin: germline.

All of Us Research Program, National Institutes of Health
Classification: Uncertain significance for Tuberous sclerosis syndrome. Last evaluated: 2023-04-03. Review status: criteria provided, single submitter. Criteria: ACMG Guidelines, 2015. Collection method: clinical testing. Allele origin: germline. Inheritance: Autosomal dominant inheritance. Observed: 1 variant allele, 1 heterozygote.
Comment: This variant causes a C to G nucleotide substitution at the -13 position of intron 35 of the TSC2 gene. Splice site prediction tools suggest that this variant may not impact RNA splicing. To our knowledge, functional studies have not been reported for this variant. This variant has not been reported in individuals affected with TSC2-related disorders in the literature. This variant has been identified in 7/280984 chromosomes in the general population by the Genome Aggregation Database (gnomAD). The available evidence is insufficient to determine the role of this variant in disease conclusively. Therefore, this variant is classified as a Variant of Uncertain Significance.

This study involves interpretation of variants in research participants for the purpose of population health screening. Participant phenotype was not available at the time of variant classification. Additional details can be found in publication PMID: 35346344, PMCID: PMC8962531

Sema4
Classification: Uncertain significance for Hereditary cancer-predisposing syndrome. Last evaluated: 2022-01-18. Review status: criteria provided, single submitter. Criteria: Sema4 Curation Guidelines. Collection method: curation. Allele origin: germline.
Comment: The TSC2 c.4570-13C>G variant has not been reported in the literature to our knowledge. It was observed in 2/35388 chromosomes of the Latino/ Admixed American subpopulation in the large and broad cohorts of the Genome Aggregation Database (PMID: 32461654). This variant has been reported in ClinVar (Variation ID 1314119). In silico tools do not suggest negative effect on normal splicing, though these predictions have not been confirmed by functional studies.The evidence is insufficient to meet ACMG/AMP criteria for classifying the variant as benign or pathogenic. Thus, the clinical significance of this variant is currently uncertain.

GeneDx
Classification: Uncertain significance. Last evaluated: 2021-02-23. Review status: criteria provided, single submitter. Criteria: GeneDx Variant Classification Process June 2021. Collection method: clinical testing. Allele origin: germline. Affected: yes.
Comment: Has not been previously published as pathogenic or benign to our knowledge; In-silico analysis, which includes splice predictors and evolutionary conservation, is inconclusive as to whether the variant alters gene splicing. In the absence of RNA/functional studies, the actual effect of this sequence change is unknown.